The following is an entry in ClinVar:

ClinVar aggregate classification (germline): Benign/Likely benign. Review status: criteria provided, multiple submitters, no conflicts (2 of 4 stars). 2 submissions from 2 submitters: Benign (1); Likely benign (1). Last evaluated 2024-04-05.

Conditions:
Familial adenomatous polyposis 1 (FAP1). Also called: POLYPOSIS, ADENOMATOUS INTESTINAL; FAMILIAL ADENOMATOUS POLYPOSIS 1, ATTENUATED. Identifiers: MedGen C2713442, MONDO:0021056, OMIM 175100. Disease mechanism: loss of function.

Submissions (2):

Myriad Genetics, Inc.
Classification: Benign for Familial adenomatous polyposis 1. Last evaluated: 2024-04-05. Review status: criteria provided, single submitter. Criteria: Myriad Autosomal Dominant, Autosomal Recessive and X-Linked Classification Criteria (2023). Collection method: clinical testing. Allele origin: unknown.
Comment: This variant is considered benign. This variant is a silent/synonymous amino acid change and it is not expected to impact splicing.

Labcorp Genetics (formerly Invitae), Labcorp
Classification: Likely benign for Familial adenomatous polyposis 1. Last evaluated: 2023-08-23. Review status: criteria provided, single submitter. Criteria: Invitae Variant Classification Sherloc (09022015). Collection method: clinical testing. Allele origin: germline.

NM_000038.6(APC):c.6765T>G (p.Thr2255=)

Gene: APC (APC regulator of Wnt signaling pathway; plus strand). Cytogenetic location: 5q22.2.
Variant type: single nucleotide variant.
Coding change: c.6765T>G on transcript NM_000038.6 (MANE Select); coding-DNA position 6765, T replaced by G.
Protein change: p.Thr2255=; no amino-acid change (threonine 2255 retained).
Molecular consequence: synonymous variant. On other transcripts: non-coding transcript variant (2).
Genome position (GRCh38, 1-based): chr5:112,842,359, T>G. VCF-style: chr5-112842359-T-G. GRCh37 (hg19) VCF-style: chr5-112178056-T-G.
Other names: c.6765T>G, p.Thr2255= (NM_001127510.3, NM_001354895.2, NM_001407450.1); c.6711T>G, p.Thr2237= (NM_001127511.3); c.6819T>G, p.Thr2273= (NM_001354896.2, NM_001407447.1, NM_001407448.1 and 1 more transcripts); c.6795T>G, p.Thr2265= (NM_001354897.2); c.6690T>G, p.Thr2230= (NM_001354898.2); c.6681T>G, p.Thr2227= (NM_001354899.2); c.6642T>G, p.Thr2214= (NM_001354900.2); c.6588T>G, p.Thr2196= (NM_001354901.2, NM_001407453.1); and 11 more.
Identifiers: ClinVar variation 2754574 (VCV002754574.4), dbSNP rs2533741444, ClinGen allele CA446209996.